The following is an entry in ClinVar:

ClinVar aggregate classification (germline): Uncertain significance (1 of 4 stars; one submission).

Conditions:
Multiple congenital exostosis (EXT). Also called: Multiple exostoses; MULTIPLE CARTILAGINOUS EXOSTOSES; Hereditary multiple osteochondromas; Hereditary multiple exostoses; Hereditary multiple exostosis; Multiple osteochondromas. Identifiers: Orphanet 321, MedGen C0015306, MONDO:0005508, HP:0002762.

gnomAD v4.1: 1 of 1,613,612 alleles (0.000062%); highest among the groups gnomAD compares: Non-Finnish European, 0.000085%; no homozygotes.

Submission:

Labcorp Genetics (formerly Invitae), Labcorp
Classification: Uncertain significance for Multiple congenital exostosis. Last evaluated: 2024-10-23. Review status: criteria provided, single submitter. Criteria: Invitae Variant Classification Sherloc (09022015). Collection method: clinical testing. Allele origin: germline.
Comment: This sequence change affects an acceptor splice site in intron 10 of the EXT1 gene. While this variant is not anticipated to result in nonsense mediated decay, it likely alters RNA splicing and results in a disrupted protein product. This variant is not present in population databases (gnomAD no frequency). This variant has not been reported in the literature in individuals affected with EXT1-related conditions. Variants that disrupt the consensus splice site are a relatively common cause of aberrant splicing (PMID: 17576681, 9536098). Algorithms developed to predict the effect of sequence changes on RNA splicing suggest that this variant may disrupt the consensus splice site. In summary, the available evidence is currently insufficient to determine the role of this variant in disease. Therefore, it has been classified as a Variant of Uncertain Significance.

Literature cited by the submitters: PubMed 17576681; PubMed 9536098.

NM_000127.3(EXT1):c.2056-2A>G

Gene: EXT1 (exostosin glycosyltransferase 1; minus strand). Cytogenetic location: 8q24.11.
Variant type: single nucleotide variant.
Coding change: c.2056-2A>G on transcript NM_000127.3 (MANE Select); the canonical splice acceptor site of the intron before coding-DNA position 2056, A replaced by G.
Molecular consequence: splice acceptor variant.
Genome position (GRCh38, 1-based): chr8:117,799,899, T>C on the plus strand (A>G on the coding strand, the complement: EXT1 is on the minus strand). VCF-style: chr8-117799899-T-C. GRCh37 (hg19) VCF-style: chr8-118812138-T-C.
Identifiers: ClinVar variation 3693641 (VCV003693641.2).
Genomic context (GRCh38, chr8:117,799,899, plus strand): 5'-ATGCAGCTCTGTCGCTGGGCAAAGTGGTCAGGGTCAGCCCAACGGGAAGCCCGAGAAGTC[T>C]AGGGAGAAGGAGAGAAACAAGGATAATGATGAGAGAAGTGCAAGGTGAGATGGAAACATT-3'